The following is an entry in ClinVar:

NM_005413.4(SIX3):c.834C>A (p.Ser278Arg)

Gene: SIX3 (SIX homeobox 3; plus strand). Cytogenetic location: 2p21.
Variant type: single nucleotide variant.
Coding change: c.834C>A on transcript NM_005413.4 (MANE Select); coding-DNA position 834, C replaced by A.
Protein change: p.Ser278Arg; replaces serine 278 with arginine.
Molecular consequence: missense variant.
Genome position (GRCh38, 1-based): chr2:44,944,595, C>A. VCF-style: chr2-44944595-C-A. GRCh37 (hg19) VCF-style: chr2-45171734-C-A.
Other names: short protein forms S278R.
Identifiers: ClinVar variation 4085884 (VCV004085884.8).
Genomic context (GRCh38, chr2:44,944,595, plus strand): 5'-GTCAGGGCGGGCGCGGATCTCTTTCTCCCGCAGGCTCCAGCACCAGGCCATTGGACCGAG[C>A]GGCATGCGCTCGCTGGCCGAGCCCGGCTGCCCCACGCACGGCTCGGCAGAGTCGCCGTCC-3'
Protein context (NP_005404.1, residues 268-288): NRLQHQAIGP[Ser278Arg]GMRSLAEPGC

ClinVar aggregate classification (germline): Uncertain significance (1 of 4 stars; one submission).

gnomAD v4.1: 1 of 1,577,772 alleles (0.000063%); highest among the groups gnomAD compares: Admixed American, 0.0017%; no homozygotes.

Submission:

CeGaT Center for Human Genetics Tuebingen
Classification: Uncertain significance. Last evaluated: 2025-08-01. Review status: criteria provided, single submitter. Criteria: CeGaT Center For Human Genetics Tuebingen Variant Classification Criteria Version 2. Collection method: clinical testing. Allele origin: germline. Affected: yes. Observed: 1 variant allele.
Comment: SIX3: PP3